The following is an entry in ClinVar:

NM_130839.5(UBE3A):c.2552_2555del (p.Ser851fs)

Genes: SNHG14 (small nucleolar RNA host gene 14; plus strand), UBE3A (ubiquitin protein ligase E3A; minus strand). Cytogenetic location: 15q11.2.
Variant type: Deletion.
Coding change: c.2552_2555del on transcript NM_130839.5 (MANE Select); coding-DNA positions 2552 to 2555, 4 bases deleted (GCAA; older notation c.2552_2555delGCAA).
Protein change: p.Ser851fs; shifts the reading frame from serine 851.
Molecular consequence: frameshift variant. On other transcripts: non-coding transcript variant (1).
Genome position (GRCh38, 1-based): chr15:25,339,201-25,339,204, TTGC deleted on the plus strand (GCAA on the coding strand, the reverse complement: UBE3A is on the minus strand); deleting any 4 consecutive bases within chr15:25,339,201-25,339,207 gives the same sequence; the c. name uses the placement nearest the transcript's 3' end. VCF-style (leftmost placement, unchanged base first): chr15-25339200-TTTGC-T. GRCh37 (hg19) VCF-style: chr15-25584347-TTTGC-T.
Other names: c.2561_2564del, p.Ser854fs (NM_000462.5); c.2552_2555del, p.Ser851fs (NM_001354505.1, NM_001354538.2); c.2492_2495del, p.Ser831fs (NM_001354506.2, NM_001354507.2, NM_001354508.2 and 14 more transcripts); c.2396_2399del, p.Ser799fs (NM_001354545.2); c.2375_2378del, p.Ser792fs (NM_001354546.2); c.2336_2339del, p.Ser779fs (NM_001354547.2, NM_001354548.2); c.2327_2330del, p.Ser776fs (NM_001354549.2); c.1301_1304del, p.Ser434fs (NM_001354550.2); and 1 more; short protein forms S414fs, S434fs, S776fs, S779fs, S792fs, S799fs, S831fs, S851fs.
Identifiers: ClinVar variation 4823297 (VCV004823297.4).
Genomic context (GRCh38, chr15:25,339,200, plus strand): 5'-CAGCATGCCAAATCCTTTGGCATACGTGATGGCCTTCAACAATCTCTCTTTAAGTTTTTC[TTTGC>T]TTGAGTATTCCGGAAGTAAAAGCACATTAAAGCAAGTATGAGATGTAGGTAACCTAAATA-3'

ClinVar aggregate classification (germline): Likely pathogenic (1 of 4 stars; one submission).

Submission:

CeGaT Center for Human Genetics Tuebingen
Classification: Likely pathogenic. Last evaluated: 2026-02-01. Review status: criteria provided, single submitter. Criteria: CeGaT Center For Human Genetics Tuebingen Variant Classification Criteria Version 2. Collection method: clinical testing. Allele origin: germline. Affected: yes. Observed: 1 variant allele.
Comment: UBE3A: PVS1:Strong, PM2